The following is an entry in ClinVar:

ClinVar aggregate classification (germline): Conflicting classifications of pathogenicity. Review status: criteria provided, conflicting classifications (1 of 4 stars). 3 submissions from 3 submitters: Uncertain significance (2); Benign (1). Last evaluated 2025-12-13.

Conditions:
Retinal dystrophy. Also called: Inherited retinal dystrophy. Identifiers: Orphanet 71862, MedGen C0854723, MeSH D058499, MONDO:0019118, HP:0000556.

Allele frequency attached by ClinVar (database versions not stated): gnomAD 0.00004 and 0.00005; TOPMed 0.00009; gnomAD exomes 0.00012; ExAC 0.00020.
gnomAD v4.1: 78 of 1,600,782 alleles (0.0049%); highest among the groups gnomAD compares: East Asian, 0.097%; 1 homozygote.

Submissions (3):

Labcorp Genetics (formerly Invitae), Labcorp
Classification: Uncertain significance. Last evaluated: 2025-12-13. Review status: criteria provided, single submitter. Criteria: Invitae Variant Classification Sherloc (09022015). Collection method: clinical testing. Allele origin: germline.
Comment: This sequence change replaces glycine, which is neutral and non-polar, with arginine, which is basic and polar, at codon 350 of the FSCN2 protein (p.Gly350Arg). This variant is present in population databases (rs779314198, gnomAD 0.1%), and has an allele count higher than expected for a pathogenic variant. This variant has not been reported in the literature in individuals affected with FSCN2-related conditions. ClinVar contains an entry for this variant (Variation ID: 969197). An algorithm developed to predict the effect of missense changes on protein structure and function (PolyPhen-2) suggests that this variant is likely to be disruptive. In summary, the available evidence is currently insufficient to determine the role of this variant in disease. Therefore, it has been classified as a Variant of Uncertain Significance.

Dept Of Ophthalmology, Nagoya University
Classification: Benign for Retinal dystrophy. Last evaluated: 2023-10-01. Review status: criteria provided, single submitter. Criteria: Submitter's publication. Collection method: research. Allele origin: germline. Affected: yes.

Breakthrough Genomics
Classification: Uncertain significance. Review status: criteria provided, single submitter. Criteria: ACMG Guidelines, 2015. Collection method: not provided. Allele origin: germline. Inheritance: Unknown mechanism. Affected: yes.

NM_012418.4(FSCN2):c.1048G>A (p.Gly350Arg)

Gene: FSCN2 (fascin actin-bundling protein 2, retinal; plus strand). Cytogenetic location: 17q25.3.
Variant type: single nucleotide variant.
Coding change: c.1048G>A on transcript NM_012418.4 (MANE Select); coding-DNA position 1048, G replaced by A.
Protein change: p.Gly350Arg; replaces glycine 350 with arginine.
Molecular consequence: missense variant.
Genome position (GRCh38, 1-based): chr17:81,536,210, G>A. VCF-style: chr17-81536210-G-A. GRCh37 (hg19) VCF-style: chr17-79503236-G-A.
Other names: c.1048G>A, p.Gly350Arg (NM_001077182.3); short protein forms G350R.
Identifiers: ClinVar variation 969197 (VCV000969197.9), dbSNP rs779314198, ClinGen allele CA8836936.